The following is an entry in ClinVar:

ClinVar aggregate classification (germline): Uncertain significance. Review status: criteria provided, multiple submitters, no conflicts (2 of 4 stars). 2 submissions from 2 submitters: Uncertain significance (2). Last evaluated 2024-02-17.

Conditions:
Inborn genetic diseases. Identifiers: MedGen C0950123, MeSH D030342.

Allele frequency attached by ClinVar (database versions not stated): ExAC 0.00001; gnomAD 0.00001; TOPMed 0.00001; gnomAD exomes 0.00002.
gnomAD v4.1: 21 of 1,614,076 alleles (0.0013%); highest among the groups gnomAD compares: East Asian, 0.0089%; no homozygotes.

Submissions (2):

Ambry Genetics
Classification: Uncertain significance for Inborn genetic diseases. Last evaluated: 2024-02-17. Review status: criteria provided, single submitter. Criteria: Ambry Variant Classification Scheme 2023. Collection method: clinical testing. Allele origin: germline.

GeneDx
Classification: Uncertain significance. Last evaluated: 2019-11-05. Review status: criteria provided, single submitter. Criteria: GeneDx Variant Classification Process June 2021. Collection method: clinical testing. Allele origin: germline. Affected: yes.
Comment: In silico analysis, which includes protein predictors and evolutionary conservation, supports that this variant does not alter protein structure/function; Has not been previously published as pathogenic or benign to our knowledge

NM_014918.5(CHSY1):c.1103G>A (p.Arg368His)

Gene: CHSY1 (chondroitin sulfate synthase 1; minus strand). Cytogenetic location: 15q26.3.
Variant type: single nucleotide variant.
Coding change: c.1103G>A on transcript NM_014918.5 (MANE Select); coding-DNA position 1103, G replaced by A.
Protein change: p.Arg368His; replaces arginine 368 with histidine.
Molecular consequence: missense variant.
Genome position (GRCh38, 1-based): chr15:101,178,694, C>T on the plus strand (G>A on the coding strand, the complement: CHSY1 is on the minus strand). VCF-style: chr15-101178694-C-T. GRCh37 (hg19) VCF-style: chr15-101718899-C-T.
Other names: short protein forms R368H.
Identifiers: ClinVar variation 1316543 (VCV001316543.3), dbSNP rs775607768, ClinGen allele CA7762597.